The following is an entry in ClinVar:

ClinVar aggregate classification (germline): Uncertain significance (1 of 4 stars; one submission).

gnomAD v4.1: 1 of 1,609,894 alleles (0.000062%); highest among the groups gnomAD compares: Non-Finnish European, 0.000085%; no homozygotes.

Submission:

Labcorp Genetics (formerly Invitae), Labcorp
Classification: Uncertain significance. Last evaluated: 2024-11-10. Review status: criteria provided, single submitter. Criteria: Invitae Variant Classification Sherloc (09022015). Collection method: clinical testing. Allele origin: germline.
Comment: This sequence change replaces tyrosine, which is neutral and polar, with phenylalanine, which is neutral and non-polar, at codon 828 of the CACNA1D protein (p.Tyr828Phe). This variant is present in population databases (no rsID available, gnomAD 0.0009%). This variant has not been reported in the literature in individuals affected with CACNA1D-related conditions. ClinVar contains an entry for this variant (Variation ID: 2870323). Invitae Evidence Modeling of protein sequence and biophysical properties (such as structural, functional, and spatial information, amino acid conservation, physicochemical variation, residue mobility, and thermodynamic stability) indicates that this missense variant is not expected to disrupt CACNA1D protein function with a negative predictive value of 80%. In summary, the available evidence is currently insufficient to determine the role of this variant in disease. Therefore, it has been classified as a Variant of Uncertain Significance.

NM_001128840.3(CACNA1D):c.2423A>T (p.Tyr808Phe)

Gene: CACNA1D (calcium voltage-gated channel subunit alpha1 D; plus strand). Cytogenetic location: 3p21.1.
Variant type: single nucleotide variant.
Coding change: c.2423A>T on transcript NM_001128840.3 (MANE Select); coding-DNA position 2423, A replaced by T.
Protein change: p.Tyr808Phe; replaces tyrosine 808 with phenylalanine.
Molecular consequence: missense variant.
Genome position (GRCh38, 1-based): chr3:53,732,032, A>T. VCF-style: chr3-53732032-A-T. GRCh37 (hg19) VCF-style: chr3-53766059-A-T.
Other names: c.2483A>T, p.Tyr828Phe (NM_000720.4); c.2423A>T, p.Tyr808Phe (NM_001128839.3); short protein forms Y828F, Y808F.
Identifiers: ClinVar variation 2870323 (VCV002870323.3), dbSNP rs1048955693, ClinGen allele CA353241035.